The following is an entry in ClinVar:

NM_016042.4(EXOSC3):c.238G>T (p.Val80Phe)

Gene: EXOSC3 (exosome component 3; minus strand). Cytogenetic location: 9p13.2.
Variant type: single nucleotide variant.
Coding change: c.238G>T on transcript NM_016042.4 (MANE Select); coding-DNA position 238, G replaced by T.
Protein change: p.Val80Phe; replaces valine 80 with phenylalanine.
Molecular consequence: missense variant.
Genome position (GRCh38, 1-based): chr9:37,784,807, C>A on the plus strand (G>T on the coding strand, the complement: EXOSC3 is on the minus strand). VCF-style: chr9-37784807-C-A. GRCh37 (hg19) VCF-style: chr9-37784804-C-A.
Other names: c.238G>T, p.Val80Phe (NM_001002269.2); short protein forms V80F.
Identifiers: ClinVar variation 129024 (VCV000129024.100), dbSNP rs374550999, ClinGen allele CA345539.

ClinVar aggregate classification (germline): Pathogenic/Likely pathogenic. Review status: criteria provided, multiple submitters, no conflicts (2 of 4 stars). 14 submissions from 14 submitters: Pathogenic (6); Likely pathogenic (6). 2 of the submissions do not count toward it. Last evaluated 2026-02-02.

Conditions:
EXOSC3-related disorder. Also called: EXOSC3-related condition.
Pontoneocerebellar hypoplasia. Also called: Pontocerebellar hypoplasia; Non-syndromic pontocerebellar hypoplasia. Identifiers: Orphanet 98523, MedGen C1261175, MONDO:0020135.
Pontocerebellar hypoplasia type 1B. Also called: EXOSC3 Pontocerebellar Hypoplasia. Identifiers: Orphanet 2254, MedGen C3553449, MONDO:0013853, OMIM 614678.

Allele frequency attached by ClinVar (database versions not stated): 1000 Genomes Project 30x 0.00031; ExAC 0.00010; gnomAD exomes 0.00015; ESP Exome Variant Server 0.00008; gnomAD 0.00026 and 0.00093; TOPMed 0.00110.
gnomAD v4.1: 258 of 1,608,334 alleles (0.016%); highest among the groups gnomAD compares: Admixed American, 0.06%; 7 homozygotes.

Submissions (14):

Labcorp Genetics (formerly Invitae), Labcorp
Classification: Pathogenic for Pontocerebellar hypoplasia type 1B. Last evaluated: 2026-02-02. Review status: criteria provided, single submitter. Criteria: Invitae Variant Classification Sherloc (09022015). Collection method: clinical testing. Allele origin: germline.
Comment: This sequence change replaces valine, which is neutral and non-polar, with phenylalanine, which is neutral and non-polar, at codon 80 of the EXOSC3 protein (p.Val80Phe). This variant is present in population databases (rs374550999, gnomAD 0.04%). This missense change has been observed in individual(s) with pontocerebellar hypoplasia (PMID: 23975261, 25809939). In at least one individual the data is consistent with being in trans (on the opposite chromosome) from a pathogenic variant. It has also been observed to segregate with disease in related individuals. ClinVar contains an entry for this variant (Variation ID: 129024). Invitae Evidence Modeling of protein sequence and biophysical properties (such as structural, functional, and spatial information, amino acid conservation, physicochemical variation, residue mobility, and thermodynamic stability) indicates that this missense variant is expected to disrupt EXOSC3 protein function with a positive predictive value of 95%. For these reasons, this variant has been classified as Pathogenic.

GeneDx
Classification: Pathogenic. Last evaluated: 2026-01-27. Review status: criteria provided, single submitter. Criteria: GeneDx Variant Classification Process June 2021. Collection method: clinical testing. Allele origin: germline. Affected: yes.
Comment: In silico analysis supports that this missense variant has a deleterious effect on protein structure/function; This variant is associated with the following publications: (PMID: 30609409, 24524299, 29656927, 29093021, 27219052, 34532947, 34426522, 23975261, 25809939, 40767373, 34056100, 25144110)

First Genomix Gene Laboratory, Genetic Diagnostics Department
Classification: Pathogenic for Pontocerebellar hypoplasia type 1B. Last evaluated: 2025-09-24. Review status: criteria provided, single submitter. Criteria: ACMG Guidelines, 2015. Collection method: clinical testing. Allele origin: germline. Inheritance: Autosomal recessive inheritance. Affected: no. Observed: 1 variant allele.

Women's Health and Genetics/Laboratory Corporation of America, LabCorp
Classification: Likely pathogenic for Pontoneocerebellar hypoplasia. Last evaluated: 2025-03-19. Review status: criteria provided, single submitter. Criteria: LabCorp Variant Classification Summary - May 2015. Collection method: clinical testing. Allele origin: germline.
Comment: Variant summary: EXOSC3 c.238G>T (p.Val80Phe) results in a non-conservative amino acid change in the encoded protein sequence. Five of five in-silico tools predict a damaging effect of the variant on protein function. The variant allele was found at a frequency of 0.00015 in 234882 control chromosomes. This frequency is not significantly higher than estimated for a pathogenic variant in EXOSC3 causing Pontocerebellar Hypoplasia, Type 1B (0.00015 vs 0.0011), allowing no conclusion about variant significance. c.238G>T has been reported in the literature in multiple individuals affected with Pontocerebellar Hypoplasia, Type 1B (e.g., Zanni_2013, Li_2015, Forny_2021). These data indicate that the variant is likely to be associated with disease. To our knowledge, no experimental evidence demonstrating an impact on protein function has been reported. The following publications have been ascertained in the context of this evaluation (PMID: 34056100, 25809939, 23975261). ClinVar contains an entry for this variant (Variation ID: 129024). Based on the evidence outlined above, the variant was classified as likely pathogenic.

Blueprint Genetics
Classification: Pathogenic for EXOSC3-related disorders. Last evaluated: 2024-09-05. Review status: criteria provided, single submitter. Criteria: ACMG Guidelines, 2015. Collection method: clinical testing. Allele origin: germline. Affected: yes. Observed: 4 variant alleles.

Revvity Omics, Revvity
Classification: Likely pathogenic for Pontocerebellar hypoplasia type 1B. Last evaluated: 2024-08-09. Review status: criteria provided, single submitter. Criteria: ACMG Guidelines, 2015. Collection method: clinical testing. Allele origin: germline.

Neuberg Centre For Genomic Medicine, NCGM
Classification: Pathogenic for Pontocerebellar hypoplasia type 1B. Last evaluated: 2023-05-20. Review status: criteria provided, single submitter. Criteria: ACMG Guidelines, 2015. Collection method: clinical testing. Allele origin: germline. Inheritance: Autosomal recessive inheritance. Affected: yes.
Comment: The observed missense c.238G>T(p.Val80Phe) variant in EXOSC3 gene has been reported previously in compound heterozygous state in individual(s) affected with intellectual disability, early onset spasticity, and cerebellar atrophy detects (Zanni et al., 2013). This variant is reported with the allele frequency of 0.02% in the gnomAD Exomes. This variant has been reported to the ClinVar database as Likely Pathogenic / Pathogenic (multiple submitters). The amino acid Val at position 80 is changed to a Phe changing protein sequence and it might alter its composition and physico-chemical properties. The amino acid change p.Val80Phe in EXOSC3 is predicted as conserved by GERP++ and PhyloP across 100 vertebrates. Multiple lines of computational evidence (Polyphen - Possibly Damaging, SIFT - Damaging, and MutationTaster - Disease causing) predict a damaging effect on protein structure and function for this variant. For these reasons, this variant has been classified as Pathogenic.

Mendelics
Classification: Pathogenic for Pontocerebellar hypoplasia type 1B. Last evaluated: 2022-05-04. Review status: criteria provided, single submitter. Criteria: Mendelics Assertion Criteria 2019. Collection method: clinical testing. Allele origin: germline.

Fulgent Genetics
Classification: Likely pathogenic for Pontocerebellar hypoplasia type 1B. Last evaluated: 2022-04-13. Review status: criteria provided, single submitter. Criteria: ACMG Guidelines, 2015. Collection method: clinical testing. Allele origin: unknown.

CeGaT Center for Human Genetics Tuebingen
Classification: Likely pathogenic. Last evaluated: 2020-06-01. Review status: criteria provided, single submitter. Criteria: CeGaT Center For Human Genetics Tuebingen Variant Classification Criteria Version 2. Collection method: clinical testing. Allele origin: germline. Affected: yes. Observed: 1 variant allele.

Laboratory for Molecular Medicine, Mass General Brigham Personalized Medicine
Classification: Likely pathogenic for Pontoneocerebellar hypoplasia. Last evaluated: 2016-11-10. Review status: criteria provided, single submitter. Criteria: LMM Criteria. Collection method: clinical testing. Allele origin: germline. Inheritance: Autosomal recessive inheritance. Observed: 1 variant allele.
Comment: The p.Val80Phe variant in EXOSC3 has been reported in 2 families with pontocereb ellar hypoplasia in the compound heterozygous state (Zanni 2013; Li 2013) and in one of the families the variant segregated in the 2 affected siblings (Zanni 20 13). This variant has been described in 0.05% (7/14042) of South Asian chromosom es by the Exome Aggregation Consortium (ExAC; rs 374550999). Although this variant has been seen in the general population, its f requency is low enough to be consistent with a recessive carrier frequency. Com putational prediction tools and conservation analysis suggest the variant may im pact the protein function, though this information is not predictive enough to d etermine pathogenicity. In summary, although additional studies are required to fully establish its clinical significance, the p.Val80Phe variant is likely path ogenic for pontocerebellar hypoplasia in an autosomal recessive manner based upo n allelic observations in affected individuals.

Genetic Services Laboratory, University of Chicago
Classification: Likely pathogenic for Pontocerebellar hypoplasia, type 1B. Last evaluated: 2014-01-21. Review status: criteria provided, single submitter. Criteria: ACMG Guidelines, 2007. Collection method: clinical testing. Allele origin: germline. Inheritance: Autosomal recessive inheritance. Affected: yes.

OMIM
Classification: Pathogenic for PONTOCEREBELLAR HYPOPLASIA, TYPE 1B. Last evaluated: 2013-11-01. Review status: no assertion criteria provided. Collection method: literature only. Allele origin: germline. Not counted in ClinVar's aggregate classification.

GeneReviews
No classification provided. Condition: Pontocerebellar hypoplasia type 1B. Review status: no classification provided. Collection method: literature only. Allele origin: germline. Affected: yes. Not counted in ClinVar's aggregate classification.

Literature cited by the submitters: PubMed 23975261 (cited by 4 submitters); PubMed 25809939 (cited by 3 submitters); PubMed 34056100 (cited by Women's Health and Genetics/Laboratory Corporation of America, LabCorp); NCBI Bookshelf NBK236968 (cited by GeneReviews).